The following is an entry in ClinVar:

NM_000059.4(BRCA2):c.3054G>A (p.Lys1018=)

Gene: BRCA2 (BRCA2 DNA repair associated; plus strand). Cytogenetic location: 13q13.1.
Variant type: single nucleotide variant.
Coding change: c.3054G>A on transcript NM_000059.4 (MANE Select); coding-DNA position 3054, G replaced by A.
Protein change: p.Lys1018=; no amino-acid change (lysine 1018 retained).
Molecular consequence: synonymous variant.
Genome position (GRCh38, 1-based): chr13:32,337,409, G>A. VCF-style: chr13-32337409-G-A. GRCh37 (hg19) VCF-style: chr13-32911546-G-A.
Other names: p.K1018K:AAG>AAA.
Identifiers: ClinVar variation 136558 (VCV000136558.27), dbSNP rs368404583, ClinGen allele CA017106.

ClinVar aggregate classification (germline): Likely benign. Review status: reviewed by expert panel (3 of 4 stars). 10 submissions from 10 submitters: Likely benign (1). 9 of the submissions do not count toward it. Last evaluated 2017-06-29.

Conditions:
Hereditary cancer-predisposing syndrome. Also called: Tumor predisposition; Hereditary neoplastic syndrome; Neoplastic Syndromes, Hereditary; Hereditary Cancer Syndrome. Identifiers: Orphanet 140162, MedGen C0027672, MeSH D009386, MONDO:0015356.
Hereditary breast ovarian cancer syndrome. Also called: Hereditary breast and ovarian cancer syndrome; Hereditary breast and ovarian cancer; Hereditary breast and ovarian cancer syndrome (HBOC); Breast and ovarian cancer; BRCA1- and BRCA2-Associated Hereditary Breast and Ovarian Cancer; Hereditary breast and/or ovarian cancer syndrome. Identifiers: Orphanet 145, MedGen C0677776, MeSH D061325, MONDO:0003582. Disease mechanism: loss of function.
Breast-ovarian cancer, familial, susceptibility to, 2 (BROVCA2). Also called: BRCA2 Hereditary Breast and Ovarian Cancer. Identifiers: Orphanet 145, MedGen C2675520, MONDO:0012933, OMIM 612555. Disease mechanism: loss of function.
Familial cancer of breast. Also called: BREAST CANCER, FAMILIAL; Hereditary breast cancer; hereditary breast carcinoma. Identifiers: Orphanet 227535, MedGen C0346153, MONDO:0016419, OMIM 114480. Disease mechanism: loss of function.

Allele frequency attached by ClinVar (database versions not stated): gnomAD exomes below 0.00001 and 0.00002; ExAC 0.00002; ESP Exome Variant Server 0.00008; gnomAD 0.00009 and 0.00011; TOPMed 0.00017.
gnomAD v4.1: 20 of 1,613,416 alleles (0.0012%); highest among the groups gnomAD compares: African/African-American, 0.024%; no homozygotes.

Submissions (10):

Evidence-based Network for the Interpretation of Germline Mutant Alleles (ENIGMA)
Classification: Likely benign for Breast-ovarian cancer, familial, susceptibility to, 2. Last evaluated: 2017-06-29. Review status: reviewed by expert panel. Criteria: ENIGMA BRCA1/2 Classification Criteria (2017-06-29). Collection method: curation. Allele origin: germline.
Comment: Synonymous substitution variant, with low bioinformatic likelihood to result in a splicing aberration (Splicing prior probability 0.02).

Labcorp Genetics (formerly Invitae), Labcorp
Classification: Likely benign for Hereditary breast ovarian cancer syndrome. Last evaluated: 2025-10-23. Review status: criteria provided, single submitter. Criteria: Invitae Variant Classification Sherloc (09022015). Collection method: clinical testing. Allele origin: germline. Not counted in ClinVar's aggregate classification.

Quest Diagnostics Nichols Institute San Juan Capistrano
Classification: Likely benign. Last evaluated: 2025-01-03. Review status: criteria provided, single submitter. Criteria: Quest Diagnostics criteria. Collection method: clinical testing. Allele origin: unknown. Not counted in ClinVar's aggregate classification.

Sema4
Classification: Likely benign for Hereditary cancer-predisposing syndrome. Last evaluated: 2021-06-16. Review status: criteria provided, single submitter. Criteria: Sema4 Curation Guidelines. Collection method: curation. Allele origin: germline. Not counted in ClinVar's aggregate classification.

Women's Health and Genetics/Laboratory Corporation of America, LabCorp
Classification: Likely benign. Last evaluated: 2019-08-21. Review status: criteria provided, single submitter. Criteria: LabCorp Variant Classification Summary - May 2015. Collection method: clinical testing. Allele origin: germline. Not counted in ClinVar's aggregate classification.

PreventionGenetics, part of Exact Sciences
Classification: Likely benign. Last evaluated: 2017-10-20. Review status: criteria provided, single submitter. Criteria: ACMG Guidelines, 2015. Collection method: clinical testing. Allele origin: germline. Not counted in ClinVar's aggregate classification.

Baylor Genetics
Classification: Benign for Familial cancer of breast. Last evaluated: 2017-02-23. Review status: criteria provided, single submitter. Criteria: ACMG Guidelines, 2015. Collection method: clinical testing. Allele origin: germline. Inheritance: Autosomal dominant inheritance. Affected: no. Not counted in ClinVar's aggregate classification.

Color Diagnostics, LLC DBA Color Health
Classification: Likely benign for Hereditary cancer-predisposing syndrome. Last evaluated: 2016-04-21. Review status: criteria provided, single submitter. Criteria: ACMG Guidelines, 2015. Collection method: clinical testing. Allele origin: germline. Not counted in ClinVar's aggregate classification.

Ambry Genetics
Classification: Likely benign for Hereditary cancer-predisposing syndrome. Last evaluated: 2015-02-26. Review status: criteria provided, single submitter. Criteria: Ambry Variant Classification Scheme 2023. Collection method: clinical testing. Allele origin: germline. Not counted in ClinVar's aggregate classification.

GeneDx
Classification: Benign. Last evaluated: 2014-02-26. Review status: criteria provided, single submitter. Criteria: GeneDx Variant Classification (06012015). Collection method: clinical testing. Allele origin: germline. Affected: yes. Not counted in ClinVar's aggregate classification.
Comment: This variant is considered likely benign or benign based on one or more of the following criteria: it is a conservative change, it occurs at a poorly conserved position in the protein, it is predicted to be benign by multiple in silico algorithms, and/or has population frequency not consistent with disease.